The following is an entry in ClinVar:

NM_001164508.2(NEB):c.1372T>C (p.Tyr458His)

Gene: NEB (nebulin; minus strand). Cytogenetic location: 2q23.3.
Variant type: single nucleotide variant.
Coding change: c.1372T>C on transcript NM_001164508.2 (MANE Select); coding-DNA position 1372, T replaced by C.
Protein change: p.Tyr458His; replaces tyrosine 458 with histidine.
Molecular consequence: missense variant.
Genome position (GRCh38, 1-based): chr2:151,697,246, A>G on the plus strand (T>C on the coding strand, the complement: NEB is on the minus strand). VCF-style: chr2-151697246-A-G. GRCh37 (hg19) VCF-style: chr2-152553760-A-G.
Other names: c.1372T>C, p.Tyr458His (NM_001164507.2, NM_001271208.2, NM_004543.5); short protein forms Y458H.
Identifiers: ClinVar variation 1521959 (VCV001521959.3), dbSNP rs2149353691, ClinGen allele CA348825513.

ClinVar aggregate classification (germline): Uncertain significance (1 of 4 stars; one submission).

Conditions:
Nemaline myopathy 2 (NEM2). Also called: Nemaline myopathy 2, autosomal recessive. Identifiers: MedGen C1850569, MONDO:0009725, OMIM 256030.

Submission:

Labcorp Genetics (formerly Invitae), Labcorp
Classification: Uncertain significance for Nemaline myopathy 2. Last evaluated: 2021-11-15. Review status: criteria provided, single submitter. Criteria: Invitae Variant Classification Sherloc (09022015). Collection method: clinical testing. Allele origin: germline.
Comment: This sequence change replaces tyrosine, which is neutral and polar, with histidine, which is basic and polar, at codon 458 of the NEB protein (p.Tyr458His). This variant is not present in population databases (gnomAD no frequency). This variant has not been reported in the literature in individuals affected with NEB-related conditions. Algorithms developed to predict the effect of missense changes on protein structure and function are either unavailable or do not agree on the potential impact of this missense change (SIFT: "Deleterious"; PolyPhen-2: "Not Available"; Align-GVGD: "Class C0"). In summary, the available evidence is currently insufficient to determine the role of this variant in disease. Therefore, it has been classified as a Variant of Uncertain Significance.